The following is an entry in ClinVar:

ClinVar aggregate classification (germline): Pathogenic (1 of 4 stars; one submission).

Submission:

Labcorp Genetics (formerly Invitae), Labcorp
Classification: Pathogenic. Last evaluated: 2022-05-12. Review status: criteria provided, single submitter. Criteria: Invitae Variant Classification Sherloc (09022015). Collection method: clinical testing. Allele origin: germline.
Comment: This sequence change creates a premature translational stop signal (p.Glu537*) in the POLE gene. It is expected to result in an absent or disrupted protein product. Loss-of-function variants in POLE are known to be pathogenic (PMID: 23230001, 25948378, 30503519). This variant is not present in population databases (gnomAD no frequency). This variant has not been reported in the literature in individuals affected with POLE-related conditions. ClinVar contains an entry for this variant (Variation ID: 1026192). For these reasons, this variant has been classified as Pathogenic.

Literature cited by the submitters: PubMed 23230001; PubMed 25948378; PubMed 30503519.

NM_006231.4(POLE):c.1608dup (p.Glu537Ter)

Gene: POLE (DNA polymerase epsilon, catalytic subunit; minus strand). Cytogenetic location: 12q24.33.
Variant type: Duplication.
Coding change: c.1608dup on transcript NM_006231.4 (MANE Select); coding-DNA position 1608, one base duplicated (T; older notation c.1608dupT).
Protein change: p.Glu537Ter; replaces glutamic acid 537 with a stop codon.
Molecular consequence: nonsense.
Genome position (GRCh38, 1-based): chr12:132,672,705, A duplicated on the plus strand (T on the coding strand, the reverse complement: POLE is on the minus strand). VCF-style (leftmost placement, unchanged base first): chr12-132672704-C-CA. GRCh37 (hg19) VCF-style: chr12-133249290-C-CA.
Other names: short protein forms E537*.
Identifiers: ClinVar variation 1026192 (VCV001026192.8), dbSNP rs2042958176, ClinGen allele CA2073001370.
Genomic context (GRCh38, chr12:132,672,704, plus strand): 5'-GGATATCGCTGCGGAAAACCCCAGACTCGAGGGCCTCCACGTGGCCCCCGACGTAGGTCT[C>CA]AGAGTCCAGCACGTGTCCGTCGTCCGTCAGCTTATTGAACTCCTGCTCTTGCTTGTTGGG-3'